The following is an entry in ClinVar:

ClinVar aggregate classification (germline): Benign/Likely benign. Review status: criteria provided, multiple submitters, no conflicts (2 of 4 stars). 6 submissions from 6 submitters: Benign (2); Likely benign (2). 2 of the submissions do not count toward it. Last evaluated 2025-12-23.

Allele frequency attached by ClinVar (database versions not stated): ESP Exome Variant Server 0.00075; 1000 Genomes Project 30x 0.00203; 1000 Genomes Project 0.00220.
gnomAD v4.1: 2,401 of 1,614,122 alleles (0.15%); highest among the groups gnomAD compares: South Asian, 0.88%; 16 homozygotes.

Submissions (6):

Labcorp Genetics (formerly Invitae), Labcorp
Classification: Benign. Last evaluated: 2025-12-23. Review status: criteria provided, single submitter. Criteria: Invitae Variant Classification Sherloc (09022015). Collection method: clinical testing. Allele origin: germline.

CeGaT Center for Human Genetics Tuebingen
Classification: Likely benign. Last evaluated: 2025-11-01. Review status: criteria provided, single submitter. Criteria: CeGaT Center For Human Genetics Tuebingen Variant Classification Criteria Version 2. Collection method: clinical testing. Allele origin: germline. Affected: yes. Observed: 1 variant allele.
Comment: JAK1: BP4, BP7, BS2

Blueprint Genetics
Classification: Likely benign. Last evaluated: 2024-11-07. Review status: criteria provided, single submitter. Criteria: ACMG Guidelines, 2015. Collection method: clinical testing. Allele origin: germline.

Breakthrough Genomics
Classification: Benign. Review status: criteria provided, single submitter. Criteria: ACMG Guidelines, 2015. Collection method: not provided. Allele origin: germline. Inheritance: Autosomal dominant inheritance. Affected: yes.

Clinical Genetics DNA and cytogenetics Diagnostics Lab, Erasmus MC, Erasmus Medical Center
Classification: Likely benign. Review status: no assertion criteria provided. Collection method: clinical testing. Allele origin: germline. Affected: yes. Study: VKGL Data-share Consensus. Not counted in ClinVar's aggregate classification.

Genome Diagnostics Laboratory, University Medical Center Utrecht
Classification: Likely benign. Review status: no assertion criteria provided. Collection method: clinical testing. Allele origin: germline. Affected: yes. Study: VKGL Data-share Consensus. Not counted in ClinVar's aggregate classification.

NM_002227.4(JAK1):c.414C>T (p.Tyr138=)

Gene: JAK1 (Janus kinase 1; minus strand). Cytogenetic location: 1p31.3.
Variant type: single nucleotide variant.
Coding change: c.414C>T on transcript NM_002227.4 (MANE Select); coding-DNA position 414, C replaced by T.
Protein change: p.Tyr138=; no amino-acid change (tyrosine 138 retained).
Molecular consequence: synonymous variant.
Genome position (GRCh38, 1-based): chr1:64,873,439, G>A on the plus strand (C>T on the coding strand, the complement: JAK1 is on the minus strand). VCF-style: chr1-64873439-G-A. GRCh37 (hg19) VCF-style: chr1-65339122-G-A.
Other names: c.414C>T, p.Tyr138= (NM_001320923.2, NM_001321852.2, NM_001321853.2 and 4 more transcripts).
Identifiers: ClinVar variation 1164556 (VCV001164556.19), dbSNP rs35237903, ClinGen allele CA893164.